The following is an entry in ClinVar:

NM_001378418.1(TCF20):c.76C>T (p.Arg26Trp)

Gene: TCF20 (transcription factor 20; minus strand). Cytogenetic location: 22q13.2.
Variant type: single nucleotide variant.
Coding change: c.76C>T on transcript NM_001378418.1 (MANE Select); coding-DNA position 76, C replaced by T.
Protein change: p.Arg26Trp; replaces arginine 26 with tryptophan.
Molecular consequence: missense variant.
Genome position (GRCh38, 1-based): chr22:42,215,230, G>A on the plus strand (C>T on the coding strand, the complement: TCF20 is on the minus strand). VCF-style: chr22-42215230-G-A. GRCh37 (hg19) VCF-style: chr22-42611236-G-A.
Other names: c.76C>T (NM_005650.1); c.76C>T, p.Arg26Trp (NM_005650.4, NM_181492.3); short protein forms R26W.
Identifiers: ClinVar variation 3719158 (VCV003719158.3).

ClinVar aggregate classification (germline): Uncertain significance. Review status: criteria provided, multiple submitters, no conflicts (2 of 4 stars). 2 submissions from 2 submitters: Uncertain significance (2). Last evaluated 2026-07-03.

Conditions:
Inborn genetic diseases. Identifiers: MedGen C0950123, MeSH D030342.

gnomAD v4.1: 15 of 1,614,050 alleles (0.00093%); highest among the groups gnomAD compares: African/African-American, 0.0013%; no homozygotes.

Submissions (2):

Ambry Genetics
Classification: Uncertain significance for Inborn genetic diseases. Last evaluated: 2026-07-03. Review status: criteria provided, single submitter. Criteria: Ambry Variant Classification Scheme 2023. Collection method: clinical testing. Allele origin: germline.
Comment: The c.76C>T (p.R26W) alteration is located in exon 1 (coding exon 1) of the TCF20 gene. This alteration results from a C to T substitution at nucleotide position 76, causing the arginine (R) at amino acid position 26 to be replaced by a tryptophan (W). Based on data from gnomAD, the T allele has an overall frequency of 0.001% (2/282832) total alleles studied. The highest observed frequency was 0.014% (1/7224) of Other alleles. Based on insufficient or conflicting evidence, the clinical significance of this alteration remains unclear.

Labcorp Genetics (formerly Invitae), Labcorp
Classification: Uncertain significance. Last evaluated: 2025-12-05. Review status: criteria provided, single submitter. Criteria: Invitae Variant Classification Sherloc (09022015). Collection method: clinical testing. Allele origin: germline.
Comment: This sequence change replaces arginine, which is basic and polar, with tryptophan, which is neutral and slightly polar, at codon 26 of the TCF20 protein (p.Arg26Trp). This variant is present in population databases (no rsID available, gnomAD 0.0008%). This variant has not been reported in the literature in individuals affected with TCF20-related conditions. ClinVar contains an entry for this variant (Variation ID: 3719158). An algorithm developed to predict the effect of missense changes on protein structure and function (PolyPhen-2) suggests that this variant is likely to be disruptive. In summary, the available evidence is currently insufficient to determine the role of this variant in disease. Therefore, it has been classified as a Variant of Uncertain Significance.